The following is an entry in ClinVar:

ClinVar aggregate classification (germline): Uncertain significance (1 of 4 stars; one submission).

Submission:

GeneDx
Classification: Uncertain significance. Last evaluated: 2026-02-11. Review status: criteria provided, single submitter. Criteria: GeneDx Variant Classification Process June 2021. Collection method: clinical testing. Allele origin: germline.
Comment: Not observed at significant frequency in large population cohorts (gnomAD); In silico analysis supports that this missense variant has a deleterious effect on protein structure/function; Has not been previously published as pathogenic or benign to our knowledge

NM_018489.3(ASH1L):c.7448C>T (p.Ser2483Phe)

Gene: ASH1L (ASH1 like histone lysine methyltransferase; minus strand). Cytogenetic location: 1q22.
Variant type: single nucleotide variant.
Coding change: c.7448C>T on transcript NM_018489.3 (MANE Select); coding-DNA position 7448, C replaced by T.
Protein change: p.Ser2483Phe; replaces serine 2483 with phenylalanine.
Molecular consequence: missense variant.
Genome position (GRCh38, 1-based): chr1:155,349,433, G>A on the plus strand (C>T on the coding strand, the complement: ASH1L is on the minus strand). VCF-style: chr1-155349433-G-A. GRCh37 (hg19) VCF-style: chr1-155319224-G-A.
Other names: c.7463C>T, p.Ser2488Phe (NM_001366177.2); short protein forms S2483F, S2488F.
Identifiers: ClinVar variation 4083360 (VCV004083360.2).